The following is an entry in ClinVar:

NM_001367561.1(DOCK7):c.5700C>G (p.Asp1900Glu)

Gene: DOCK7 (dedicator of cytokinesis 7; minus strand). Cytogenetic location: 1p31.3.
Variant type: single nucleotide variant.
Coding change: c.5700C>G on transcript NM_001367561.1 (MANE Select); coding-DNA position 5700, C replaced by G.
Protein change: p.Asp1900Glu; replaces aspartic acid 1900 with glutamic acid.
Molecular consequence: missense variant.
Genome position (GRCh38, 1-based): chr1:62,476,091, G>C on the plus strand (C>G on the coding strand, the complement: DOCK7 is on the minus strand). VCF-style: chr1-62476091-G-C. GRCh37 (hg19) VCF-style: chr1-62941762-G-C.
Other names: c.5667C>G, p.Asp1889Glu (NM_001271999.2); c.5580C>G, p.Asp1860Glu (NM_001272000.2); c.5574C>G, p.Asp1858Glu (NM_001272001.2); c.5673C>G, p.Asp1891Glu (NM_001330614.2); c.5607C>G, p.Asp1869Glu (NM_033407.4); short protein forms D1858E, D1900E, D1860E, D1869E, D1889E, D1891E.
Identifiers: ClinVar variation 1494054 (VCV001494054.6), dbSNP rs556891960, ClinGen allele CA340604440.

ClinVar aggregate classification (germline): Uncertain significance (1 of 4 stars; one submission).

Conditions:
Developmental and epileptic encephalopathy, 23 (DEE23). Also called: Epileptic encephalopathy, early infantile, 23. Identifiers: Orphanet 411986, MedGen C4014492, MONDO:0014371, OMIM 615859.

Submission:

Labcorp Genetics (formerly Invitae), Labcorp
Classification: Uncertain significance for Developmental and epileptic encephalopathy, 23. Last evaluated: 2022-12-06. Review status: criteria provided, single submitter. Criteria: Invitae Variant Classification Sherloc (09022015). Collection method: clinical testing. Allele origin: germline.
Comment: In summary, the available evidence is currently insufficient to determine the role of this variant in disease. Therefore, it has been classified as a Variant of Uncertain Significance. Advanced modeling of protein sequence and biophysical properties (such as structural, functional, and spatial information, amino acid conservation, physicochemical variation, residue mobility, and thermodynamic stability) performed at Invitae indicates that this missense variant is not expected to disrupt DOCK7 protein function. ClinVar contains an entry for this variant (Variation ID: 1494054). This variant has not been reported in the literature in individuals affected with DOCK7-related conditions. This variant is not present in population databases (gnomAD no frequency). This sequence change replaces aspartic acid, which is acidic and polar, with glutamic acid, which is acidic and polar, at codon 1889 of the DOCK7 protein (p.Asp1889Glu).